The following is an entry in ClinVar:

ClinVar aggregate classification (germline): Uncertain significance. Review status: criteria provided, multiple submitters, no conflicts (2 of 4 stars). 2 submissions from 2 submitters: Uncertain significance (2). Last evaluated 2025-09-27.

Allele frequency attached by ClinVar (database versions not stated): gnomAD exomes 0.00007; ESP Exome Variant Server 0.00008; TOPMed 0.00009; ExAC 0.00011; gnomAD 0.00011; 1000 Genomes Project 30x 0.00078; 1000 Genomes Project 0.00080.
gnomAD v4.1: 116 of 1,613,486 alleles (0.0072%); highest among the groups gnomAD compares: South Asian, 0.033%; 1 homozygote.

Submissions (2):

Labcorp Genetics (formerly Invitae), Labcorp
Classification: Uncertain significance. Last evaluated: 2025-09-27. Review status: criteria provided, single submitter. Criteria: Invitae Variant Classification Sherloc (09022015). Collection method: clinical testing. Allele origin: germline.
Comment: This sequence change replaces alanine, which is neutral and non-polar, with threonine, which is neutral and polar, at codon 698 of the EPB41L3 protein (p.Ala698Thr). This variant is present in population databases (rs201553363, gnomAD 0.03%). This variant has not been reported in the literature in individuals affected with EPB41L3-related conditions. ClinVar contains an entry for this variant (Variation ID: 2344996). Invitae Evidence Modeling of protein sequence and biophysical properties (such as structural, functional, and spatial information, amino acid conservation, physicochemical variation, residue mobility, and thermodynamic stability) indicates that this missense variant is not expected to disrupt EPB41L3 protein function with a negative predictive value of 80%. In summary, the available evidence is currently insufficient to determine the role of this variant in disease. Therefore, it has been classified as a Variant of Uncertain Significance.

Ambry Genetics
Classification: Uncertain significance. Last evaluated: 2025-06-24. Review status: criteria provided, single submitter. Criteria: Ambry Variant Classification Scheme 2023. Collection method: clinical testing. Allele origin: germline.

NM_012307.5(EPB41L3):c.2092G>A (p.Ala698Thr)

Gene: EPB41L3 (erythrocyte membrane protein band 4.1 like 3; minus strand). Cytogenetic location: 18p11.31.
Variant type: single nucleotide variant.
Coding change: c.2092G>A on transcript NM_012307.5 (MANE Select); coding-DNA position 2092, G replaced by A.
Protein change: p.Ala698Thr; replaces alanine 698 with threonine.
Molecular consequence: missense variant.
Genome position (GRCh38, 1-based): chr18:5,410,595, C>T on the plus strand (G>A on the coding strand, the complement: EPB41L3 is on the minus strand). VCF-style: chr18-5410595-C-T. GRCh37 (hg19) VCF-style: chr18-5410594-C-T.
Other names: c.1585G>A, p.Ala529Thr (NM_001281533.2, NM_001281534.3, NM_001330557.2 and 9 more transcripts); c.1258G>A, p.Ala420Thr (NM_001281535.2, NM_001384683.1, NM_001384698.1 and 4 more transcripts); c.2146G>A, p.Ala716Thr (NM_001384685.1); c.1531G>A, p.Ala511Thr (NM_001384687.1, NM_001384688.1, NM_001384692.1 and 2 more transcripts); c.1204G>A, p.Ala402Thr (NM_001384700.1, NM_001384702.1, NM_001384705.1 and 1 more transcripts); short protein forms A698T, A529T, A716T, A511T, A402T, A420T.
Identifiers: ClinVar variation 2344996 (VCV002344996.4), dbSNP rs201553363, ClinGen allele CA8877645.
Genomic context (GRCh38, chr18:5,410,595, plus strand): 5'-ACTACCAGCCACTCTCAGCCAAAATACCAACCTCAGTGGCAGTGGTCTCCCCGTCGGCTG[C>T]GGTGTCCGTGCGCTCACTGTCAGTCTGTTGACCACAGAAGTGATCAGGTTCCAGGAGGAA-3'
Protein context (NP_036439.2, residues 688-708): EETDSERTDT[Ala698Thr]ADGETTATES